The following is an entry in ClinVar:

NM_013275.6(ANKRD11):c.6622T>G (p.Ser2208Ala)

Gene: ANKRD11 (ankyrin repeat domain 11; minus strand). Cytogenetic location: 16q24.3.
Variant type: single nucleotide variant.
Coding change: c.6622T>G on transcript NM_013275.6 (MANE Select); coding-DNA position 6622, T replaced by G.
Protein change: p.Ser2208Ala; replaces serine 2208 with alanine.
Molecular consequence: missense variant.
Genome position (GRCh38, 1-based): chr16:89,279,920, A>C on the plus strand (T>G on the coding strand, the complement: ANKRD11 is on the minus strand). VCF-style: chr16-89279920-A-C. GRCh37 (hg19) VCF-style: chr16-89346328-A-C.
Other names: c.6622T>G, p.Ser2208Ala (NM_001256182.2, NM_001256183.2); short protein forms S2208A.
Identifiers: ClinVar variation 833824 (VCV000833824.35), dbSNP rs778171762, ClinGen allele CA8241379.
Genomic context (GRCh38, chr16:89,279,920, plus strand): 5'-CCGGCACCGTCTCCGCCTCCACCGCAGCTTCTAGAGCCACGTCCAGCTTTGGCTCCCCTG[A>C]GGGCTCAGGCTCGAGCTCTGCAGGGAGCCGGGTGGAGGCCTGGTCAGGAGGCAGTGCCGG-3'
Protein context (NP_037407.4, residues 2198-2218): RLPAELEPEP[Ser2208Ala]GEPKLDVALE

ClinVar aggregate classification (germline): Conflicting classifications of pathogenicity. Review status: criteria provided, conflicting classifications (1 of 4 stars). 3 submissions from 3 submitters: Uncertain significance (1); Benign (1); Likely benign (1). Last evaluated 2025-07-14.

Conditions:
KBG syndrome (KBGS). Also called: ANKRD11-Related KBG Syndrome. Identifiers: Orphanet 2332, MedGen C0220687, MONDO:0007846, OMIM 148050.
Inborn genetic diseases. Identifiers: MedGen C0950123, MeSH D030342.

Allele frequency attached by ClinVar (database versions not stated): gnomAD exomes 0.00001; ExAC 0.00002.
gnomAD v4.1: 8 of 1,609,732 alleles (0.0005%); highest among the groups gnomAD compares: South Asian, 0.0044%; no homozygotes.

Submissions (3):

Labcorp Genetics (formerly Invitae), Labcorp
Classification: Benign for KBG syndrome. Last evaluated: 2025-07-14. Review status: criteria provided, single submitter. Criteria: Invitae Variant Classification Sherloc (09022015). Collection method: clinical testing. Allele origin: germline.

CeGaT Center for Human Genetics Tuebingen
Classification: Likely benign. Last evaluated: 2024-06-01. Review status: criteria provided, single submitter. Criteria: CeGaT Center For Human Genetics Tuebingen Variant Classification Criteria Version 2. Collection method: clinical testing. Allele origin: germline. Affected: yes. Observed: 2 variant alleles.
Comment: ANKRD11: BP4

Ambry Genetics
Classification: Uncertain significance for Inborn genetic diseases. Last evaluated: 2017-12-18. Review status: criteria provided, single submitter. Criteria: Ambry Variant Classification Scheme 2023. Collection method: clinical testing. Allele origin: germline.
Comment: The p.S2208A variant (also known as c.6622T>G), located in coding exon 7 of the ANKRD11 gene, results from a T to G substitution at nucleotide position 6622. The serine at codon 2208 is replaced by alanine, an amino acid with similar properties. This amino acid position is not well conserved in available vertebrate species, and alanine is the reference amino acid in other vertebrate species. In addition, this alteration is predicted to be tolerated by in silico analysis. Since supporting evidence is limited at this time, the clinical significance of this alteration remains unclear.